The following is an entry in ClinVar:

NM_001105206.3(LAMA4):c.3791G>A (p.Arg1264Gln)

Gene: LAMA4 (laminin subunit alpha 4; minus strand). Cytogenetic location: 6q21.
Variant type: single nucleotide variant.
Coding change: c.3791G>A on transcript NM_001105206.3 (MANE Select); coding-DNA position 3791, G replaced by A.
Protein change: p.Arg1264Gln; replaces arginine 1264 with glutamine.
Molecular consequence: missense variant.
Genome position (GRCh38, 1-based): chr6:112,132,796, C>T on the plus strand (G>A on the coding strand, the complement: LAMA4 is on the minus strand). VCF-style: chr6-112132796-C-T. GRCh37 (hg19) VCF-style: chr6-112453998-C-T.
Other names: c.3770G>A, p.Arg1257Gln (NM_001105207.3, NM_002290.5); short protein forms R1264Q, R1257Q.
Identifiers: ClinVar variation 1734765 (VCV001734765.8), dbSNP rs782013757, ClinGen allele CA3965132.

ClinVar aggregate classification (germline): Uncertain significance. Review status: criteria provided, multiple submitters, no conflicts (2 of 4 stars). 2 submissions from 2 submitters: Uncertain significance (2). Last evaluated 2025-11-02.

Conditions:
Dilated cardiomyopathy 1JJ (CMD1JJ). Identifiers: Orphanet 154, MedGen C3808935, MONDO:0014095, OMIM 615235.
Cardiovascular phenotype. Identifiers: MedGen CN230736.

Allele frequency attached by ClinVar (database versions not stated): gnomAD 0.00001; TOPMed 0.00001; ExAC 0.00002; gnomAD exomes 0.00002.
gnomAD v4.1: 31 of 1,612,862 alleles (0.0019%); highest among the groups gnomAD compares: Non-Finnish European, 0.0022%; no homozygotes.

Submissions (2):

Ambry Genetics
Classification: Uncertain significance for Cardiovascular phenotype. Last evaluated: 2025-11-02. Review status: criteria provided, single submitter. Criteria: Ambry Variant Classification Scheme 2023. Collection method: clinical testing. Allele origin: germline.
Comment: The p.R1257Q variant (also known as c.3770G>A), located in coding exon 27 of the LAMA4 gene, results from a G to A substitution at nucleotide position 3770. The arginine at codon 1257 is replaced by glutamine, an amino acid with highly similar properties. This amino acid position is well conserved in available vertebrate species. In addition, this alteration is predicted to be tolerated by in silico analysis. Since supporting evidence is limited at this time, the clinical significance of this alteration remains unclear.

Labcorp Genetics (formerly Invitae), Labcorp
Classification: Uncertain significance for Dilated cardiomyopathy 1JJ. Last evaluated: 2025-09-27. Review status: criteria provided, single submitter. Criteria: Invitae Variant Classification Sherloc (09022015). Collection method: clinical testing. Allele origin: germline.
Comment: This sequence change replaces arginine, which is basic and polar, with glutamine, which is neutral and polar, at codon 1257 of the LAMA4 protein (p.Arg1257Gln). The frequency data for this variant in the population databases is considered unreliable, as metrics indicate poor data quality at this position in the gnomAD database. This variant has not been reported in the literature in individuals affected with LAMA4-related conditions. ClinVar contains an entry for this variant (Variation ID: 1734765). An algorithm developed to predict the effect of missense changes on protein structure and function outputs the following: PolyPhen-2: "Benign". The glutamine amino acid residue is found in multiple mammalian species, which suggests that this missense change does not adversely affect protein function. In summary, the available evidence is currently insufficient to determine the role of this variant in disease. Therefore, it has been classified as a Variant of Uncertain Significance.